The following is an entry in ClinVar:

NM_001401501.2(MUC16):c.41112-10_41112-7del

Gene: MUC16 (mucin 16, cell surface associated; minus strand). Cytogenetic location: 19p13.2.
Variant type: Deletion.
Coding change: c.41112-10_41112-7del on transcript NM_001401501.2 (MANE Select); 10 bases into the intron before coding-DNA position 41112 through 7 bases into the intron before coding-DNA position 41112, 4 bases deleted (TCCA; older notation c.41112-10_41112-7delTCCA).
Molecular consequence: intron variant.
Genome position (GRCh38, 1-based): chr19:8,886,867-8,886,870, TGGA deleted on the plus strand (TCCA on the coding strand, the reverse complement: MUC16 is on the minus strand). VCF-style (leftmost placement, unchanged base first): chr19-8886866-GTGGA-G. GRCh37 (hg19) VCF-style: chr19-8997542-GTGGA-G.
Other names: c.41538-10_41538-7del (NM_001414686.1); c.40992-10_40992-7del (NM_001414687.1); c.40886-10_40886-7del (NM_024690.2); c.40886-10_40886-7delTCCA (NM_024690.2).
Identifiers: ClinVar variation 3350361 (VCV003350361.1).

ClinVar aggregate classification (germline): Likely benign (0 of 4 stars; one submission).

Conditions:
MUC16-related disorder. Also called: MUC16-related condition.

Submission:

PreventionGenetics, part of Exact Sciences
Classification: Likely benign for MUC16-related condition. Last evaluated: 2024-08-12. Review status: no assertion criteria provided. Collection method: clinical testing. Allele origin: germline.
Comment: This variant is classified as likely benign based on ACMG/AMP sequence variant interpretation guidelines (Richards et al. 2015 PMID: 25741868, with internal and published modifications).